The following is an entry in ClinVar:

NM_018344.6(SLC29A3):c.831C>T (p.Pro277=)

Gene: SLC29A3 (solute carrier family 29 member 3; plus strand). Cytogenetic location: 10q22.1.
Variant type: single nucleotide variant.
Coding change: c.831C>T on transcript NM_018344.6 (MANE Select); coding-DNA position 831, C replaced by T.
Protein change: p.Pro277=; no amino-acid change (proline 277 retained).
Molecular consequence: synonymous variant. On other transcripts: 3 prime UTR variant (1), non-coding transcript variant (2).
Genome position (GRCh38, 1-based): chr10:71,362,011, C>T. VCF-style: chr10-71362011-C-T. GRCh37 (hg19) VCF-style: chr10-73121768-C-T.
Other names: p.Pro277=; c.*60C>T (NM_001174098.2); c.597C>T, p.Pro199= (NM_001363518.2).
Identifiers: ClinVar variation 130345 (VCV000130345.21), dbSNP rs61737431, ClinGen allele CA155248.

ClinVar aggregate classification (germline): Benign/Likely benign. Review status: criteria provided, multiple submitters, no conflicts (2 of 4 stars). 7 submissions from 7 submitters: Benign (5); Likely benign (1). 1 of the submissions does not count toward it. Last evaluated 2026-02-03.

Conditions:
H syndrome. Also called: Histiocytosis with joint contractures and sensorineural deafness; FAISALABAD HISTIOCYTOSIS; HISTIOCYTOSIS AND LYMPHADENOPATHY WITH OR WITHOUT CUTANEOUS, CARDIAC, AND/OR ENDOCRINE FEATURES, JOINT CONTRACTURES, AND/OR DEAFNESS; HYPERPIGMENTATION, CUTANEOUS, WITH HYPERTRICHOSIS, HEPATOSPLENOMEGALY, HEART ANOMALIES, AND HYPOGONADISM WITH OR WITHOUT HEARING LOSS; PIGMENTED HYPERTRICHOSIS WITH INSULIN-DEPENDENT DIABETES MELLITUS; ROSAI-DORFMAN DISEASE, FAMILIAL. Identifiers: Orphanet 168569, MedGen C1864445, MONDO:0011273, OMIM 602782.

Allele frequency attached by ClinVar (database versions not stated): gnomAD exomes 0.00796 and 0.01051; ExAC 0.01159; gnomAD 0.01800 and 0.01828; ESP Exome Variant Server 0.01953; TOPMed 0.02004; 1000 Genomes Project 0.02636; 1000 Genomes Project 30x 0.02670.
gnomAD v4.1: 14,506 of 1,614,046 alleles (0.9%); highest among the groups gnomAD compares: African/African-American, 4.6%; 156 homozygotes.

Submissions (7):

Labcorp Genetics (formerly Invitae), Labcorp
Classification: Benign for H syndrome. Last evaluated: 2026-02-03. Review status: criteria provided, single submitter. Criteria: Invitae Variant Classification Sherloc (09022015). Collection method: clinical testing. Allele origin: germline.

Women's Health and Genetics/Laboratory Corporation of America, LabCorp
Classification: Benign. Last evaluated: 2026-01-21. Review status: criteria provided, single submitter. Criteria: LabCorp Variant Classification Summary - May 2015. Collection method: clinical testing. Allele origin: germline.

Blueprint Genetics
Classification: Likely benign. Last evaluated: 2024-11-27. Review status: criteria provided, single submitter. Criteria: ACMG Guidelines, 2015. Collection method: clinical testing. Allele origin: germline.

Mayo Clinic Laboratories, Mayo Clinic
Classification: Benign. Last evaluated: 2024-10-23. Review status: criteria provided, single submitter. Criteria: ACMG Guidelines, 2015. Collection method: clinical testing. Allele origin: germline. Observed: 16 variant alleles.
Comment: BA1, BS1

Illumina Laboratory Services, Illumina
Classification: Benign for H syndrome. Last evaluated: 2018-01-13. Review status: criteria provided, single submitter. Criteria: ICSL Variant Classification Criteria 13 December 2019. Collection method: clinical testing. Allele origin: germline.
Comment: This variant was observed in the ICSL laboratory as part of a predisposition screen in an ostensibly healthy population. It had not been previously curated by ICSL or reported in the Human Gene Mutation Database (HGMD: prior to June 1st, 2018), and was therefore a candidate for classification through an automated scoring system. Utilizing variant allele frequency, disease prevalence and penetrance estimates, and inheritance mode, an automated score was calculated to assess if this variant is too frequent to cause the disease. Based on the score and internal cut-off values, a variant classified as benign is not then subjected to further curation. The score for this variant resulted in a classification of benign for this disease.

Breakthrough Genomics
Classification: Benign. Review status: criteria provided, single submitter. Criteria: ACMG Guidelines, 2015. Collection method: not provided. Allele origin: germline. Inheritance: Autosomal recessive inheritance. Affected: yes.

Genetic Services Laboratory, University of Chicago
Classification: Likely benign for AllHighlyPenetrant. Review status: no assertion criteria provided. Collection method: clinical testing. Allele origin: germline. Inheritance: Autosomal recessive inheritance. Not counted in ClinVar's aggregate classification.
Comment: Likely benign based on allele frequency in 1000 Genomes Project or ESP global frequency and its presence in a patient with a rare or unrelated disease phenotype. NOT Sanger confirmed.